The following is an entry in ClinVar:

ClinVar aggregate classification (germline): Pathogenic/Likely pathogenic. Review status: criteria provided, multiple submitters, no conflicts (2 of 4 stars). 4 submissions from 4 submitters: Pathogenic (3); Likely pathogenic (1). Last evaluated 2023-01-12.

Conditions:
RPGR-related disorder. Also called: RPGR-related condition.
Primary ciliary dyskinesia. Also called: Ciliary dyskinesia. Identifiers: Orphanet 244, MedGen C0008780, MONDO:0016575, HP:0012265.

Submissions (4):

Labcorp Genetics (formerly Invitae), Labcorp
Classification: Pathogenic for Primary ciliary dyskinesia. Last evaluated: 2023-01-12. Review status: criteria provided, single submitter. Criteria: Invitae Variant Classification Sherloc (09022015). Collection method: clinical testing. Allele origin: germline.
Comment: For these reasons, this variant has been classified as Pathogenic. Algorithms developed to predict the effect of sequence changes on RNA splicing suggest that this variant may create or strengthen a splice site. ClinVar contains an entry for this variant (Variation ID: 817046). This premature translational stop signal has been observed in individual(s) with clinical features of RPGR-related conditions (PMID: 21857984, 31953110). This variant is not present in population databases (gnomAD no frequency). This sequence change creates a premature translational stop signal (p.Ala74Profs*11) in the RPGR gene. It is expected to result in an absent or disrupted protein product. Loss-of-function variants in RPGR are known to be pathogenic (PMID: 16055928, 16969763).

Blueprint Genetics
Classification: Pathogenic for RPGR-related disorders. Last evaluated: 2022-11-18. Review status: criteria provided, single submitter. Criteria: ACMG Guidelines, 2015. Collection method: clinical testing. Allele origin: germline. Affected: yes. Observed: 1 variant allele.

PreventionGenetics, part of Exact Sciences
Classification: Likely pathogenic. Last evaluated: 2021-07-12. Review status: criteria provided, single submitter. Criteria: ACMG Guidelines, 2015. Collection method: clinical testing. Allele origin: germline.

GeneDx
Classification: Pathogenic. Last evaluated: 2018-09-10. Review status: criteria provided, single submitter. Criteria: GeneDx Variant Classification (06012015). Collection method: clinical testing. Allele origin: germline. Affected: yes.
Comment: This variant causes a frameshift starting with codon Alanine 74, changes this amino acid to a Proline residue, and creates a premature Stop codon at position 11 of the new reading frame, denoted p.Ala74ProfsX11. This variant is predicted to cause loss of normal protein function either through protein truncation or nonsense-mediated mRNA decay. This variant is not observed in large population cohorts (Lek et al., 2016). We interpret c.219delA as a pathogenic variant.

Literature cited by the submitters: PubMed 21857984 (cited by Labcorp Genetics (formerly Invitae), Labcorp); PubMed 31953110 (cited by Labcorp Genetics (formerly Invitae), Labcorp); PubMed 16055928 (cited by Labcorp Genetics (formerly Invitae), Labcorp); PubMed 16969763 (cited by Labcorp Genetics (formerly Invitae), Labcorp).

NM_001034853.2(RPGR):c.219del (p.Ala74fs)

Gene: RPGR (retinitis pigmentosa GTPase regulator; minus strand). Cytogenetic location: Xp11.4.
Variant type: Deletion.
Coding change: c.219del on transcript NM_001034853.2 (MANE Select); coding-DNA position 219, one base deleted (A; older notation c.219delA).
Protein change: p.Ala74fs; shifts the reading frame from alanine 74.
Molecular consequence: frameshift variant. On other transcripts: non-coding transcript variant (6).
Genome position (GRCh38, 1-based): chrX:38,322,881, T deleted on the plus strand (A on the coding strand, the reverse complement: RPGR is on the minus strand). VCF-style (leftmost placement, unchanged base first): chrX-38322880-CT-C. GRCh37 (hg19) VCF-style: chrX-38182133-CT-C.
Other names: c.219del, p.Ala74fs (NM_000328.3, NM_001367245.1, NM_001367246.1 and 4 more transcripts); c.249del, p.Ala84fs (NM_001367248.1); c.219delA (NM_001034853.1); short protein forms A74fs, A84fs.
Identifiers: ClinVar variation 817046 (VCV000817046.7), dbSNP rs1601982474, ClinGen allele CA915951025.
Genomic context (GRCh38, chrX:38,322,880, plus strand): 5'-TACAGTTTGTGAAAAGATAAAAAGATCCCAAACCTTTGACACATGTTGGCTTGCTGATGG[CT>C]GACTTTGATCCTAATCCTAACTGACCCCAGTTGTTACTGCCAAACATGTAAAGTTTATTA-3'